The following is an entry in ClinVar:

NM_001267550.2(TTN):c.73102G>T (p.Asp24368Tyr)

Genes: TTN (titin; minus strand), TTN-AS1 (TTN antisense RNA 1; plus strand). Cytogenetic location: 2q31.2.
Variant type: single nucleotide variant.
Coding change: c.73102G>T on transcript NM_001267550.2 (MANE Select); coding-DNA position 73102, G replaced by T.
Protein change: p.Asp24368Tyr; replaces aspartic acid 24368 with tyrosine.
Molecular consequence: missense variant.
Genome position (GRCh38, 1-based): chr2:178,573,030, C>A on the plus strand (G>T on the coding strand, the complement: TTN is on the minus strand). VCF-style: chr2-178573030-C-A. GRCh37 (hg19) VCF-style: chr2-179437757-C-A.
Other names: c.68179G>T, p.Asp22727Tyr (NM_001256850.1); c.45907G>T, p.Asp15303Tyr (NM_003319.4); c.65398G>T, p.Asp21800Tyr (NM_133378.4); c.46282G>T, p.Asp15428Tyr (NM_133432.3); c.46483G>T, p.Asp15495Tyr (NM_133437.4); short protein forms D24368Y, D21800Y, D22727Y, D15495Y, D15303Y, D15428Y.
Identifiers: ClinVar variation 282770 (VCV000282770.6), dbSNP rs886042474, ClinGen allele CA10604288.

ClinVar aggregate classification (germline): Conflicting classifications of pathogenicity. Review status: criteria provided, conflicting classifications (1 of 4 stars). 2 submissions from 2 submitters: Uncertain significance (1); Likely benign (1). Last evaluated 2026-03-27.

Allele frequency attached by ClinVar (database versions not stated): TOPMed below 0.00001.
gnomAD v4.1: 1 of 1,613,106 alleles (0.000062%); highest among the groups gnomAD compares: Non-Finnish European, 0.000085%; no homozygotes.

Submissions (2):

Molecular Diagnostic Laboratory for Inherited Cardiovascular Disease, Montreal Heart Institute
Classification: Likely benign. Last evaluated: 2026-03-27. Review status: criteria provided, single submitter. Criteria: ACMG Guidelines, 2015. Collection method: clinical testing. Allele origin: germline. Affected: no.
Comment: BP1

Eurofins Ntd Llc (ga)
Classification: Uncertain significance. Last evaluated: 2015-08-19. Review status: criteria provided, single submitter. Criteria: EGL Classification Definitions 2015. Collection method: clinical testing. Allele origin: germline. Observed: 1 variant allele, 1 heterozygote.